The following is an entry in ClinVar:

ClinVar aggregate classification (germline): Uncertain significance. Review status: criteria provided, multiple submitters, no conflicts (2 of 4 stars). 2 submissions from 2 submitters: Uncertain significance (2). Last evaluated 2024-06-11.

Conditions:
Malignant hyperthermia, susceptibility to, 1 (MHS1). Also called: RYR1-Related Malignant Hyperthermia Susceptibility; Anesthesia related hyperthermia; Malignant hyperpyrexia; Fulminating hyperpyrexia; Pharmacogenic myopathy; Malignant hyperthermia suceptibility 1. Identifiers: Orphanet 423, MedGen C2930980, MONDO:0007783, OMIM 145600.

gnomAD v4.1: 25 of 1,613,772 alleles (0.0015%); highest among the groups gnomAD compares: Non-Finnish European, 0.0019%; no homozygotes.

Submissions (2):

All of Us Research Program, National Institutes of Health
Classification: Uncertain significance for Malignant hyperthermia, susceptibility to, 1. Last evaluated: 2024-06-11. Review status: criteria provided, single submitter. Criteria: ACMG Guidelines, 2015. Collection method: clinical testing. Allele origin: germline. Inheritance: Autosomal dominant inheritance. Observed: 1 variant allele, 1 heterozygote.
Comment: This study involves interpretation of variants in research participants for the purpose of population health screening. Participant phenotype was not available at the time of variant classification. Additional details can be found in publication PMID: 35346344, PMCID: PMC8962531

Blueprint Genetics
Classification: Uncertain significance. Last evaluated: 2022-12-16. Review status: criteria provided, single submitter. Criteria: ACMG Guidelines, 2015. Collection method: clinical testing. Allele origin: germline.

NM_000540.3(RYR1):c.6683T>C (p.Met2228Thr)

Gene: RYR1 (ryanodine receptor 1; plus strand). Cytogenetic location: 19q13.2.
Variant type: single nucleotide variant.
Coding change: c.6683T>C on transcript NM_000540.3 (MANE Select); coding-DNA position 6683, T replaced by C.
Protein change: p.Met2228Thr; replaces methionine 2228 with threonine.
Molecular consequence: missense variant.
Genome position (GRCh38, 1-based): chr19:38,496,428, T>C. VCF-style: chr19-38496428-T-C. GRCh37 (hg19) VCF-style: chr19-38987068-T-C.
Other names: c.6683T>C, p.Met2228Thr (NM_001042723.2); short protein forms M2228T.
Identifiers: ClinVar variation 3385432 (VCV003385432.2).
Genomic context (GRCh38, chr19:38,496,428, plus strand): 5'-CAGCCACAGAGGGCAGGCCCTGACCACCCTGCCTGTCCCAGGAGATCCGCTTCCCCAAGA[T>C]GGTGACAAGCTGCTGCCGCTTCCTCTGCTATTTCTGCCGAATCAGCCGGCAGAACCAGCG-3'
Protein context (NP_000531.2, residues 2218-2238): GESKEIRFPK[Met2228Thr]VTSCCRFLCY